The following is an entry in ClinVar:

NM_019066.5(MAGEL2):c.715A>G (p.Met239Val)

Gene: MAGEL2 (MAGE family member L2; minus strand). Cytogenetic location: 15q11.2.
Variant type: single nucleotide variant.
Coding change: c.715A>G on transcript NM_019066.5 (MANE Select); coding-DNA position 715, A replaced by G.
Protein change: p.Met239Val; replaces methionine 239 with valine.
Molecular consequence: missense variant.
Genome position (GRCh38, 1-based): chr15:23,647,028, T>C on the plus strand (A>G on the coding strand, the complement: MAGEL2 is on the minus strand). VCF-style: chr15-23647028-T-C. GRCh37 (hg19) VCF-style: chr15-23892175-T-C.
Other names: short protein forms M239V.
Identifiers: ClinVar variation 4997575 (VCV004997575.1).

ClinVar aggregate classification (germline): Uncertain significance (1 of 4 stars; one submission).

Conditions:
MAGEL2-related disorder. Also called: MAGEL2-related condition.

Submission:

PreventionGenetics, part of Exact Sciences
Classification: Uncertain significance for MAGEL2-related condition. Last evaluated: 2026-04-02. Review status: criteria provided, single submitter. Criteria: ACMG Guidelines, 2015. Collection method: clinical testing. Allele origin: germline.
Comment: The MAGEL2 c.715A>G variant is predicted to result in the amino acid substitution p.Met239Val. To our knowledge, this variant has not been reported in the literature or in a large population database (gnomAD), indicating this variant is rare. At this time, the clinical significance of this variant is uncertain due to the absence of conclusive functional and genetic evidence.